The following is an entry in ClinVar:

ClinVar aggregate classification (germline): Uncertain significance. Review status: criteria provided, multiple submitters, no conflicts (2 of 4 stars). 2 submissions from 2 submitters: Uncertain significance (2). Last evaluated 2025-11-06.

Conditions:
Inborn genetic diseases. Identifiers: MedGen C0950123, MeSH D030342.

Allele frequency attached by ClinVar (database versions not stated): TOPMed 0.00002; gnomAD 0.00003.
gnomAD v4.1: 24 of 1,597,262 alleles (0.0015%); highest among the groups gnomAD compares: Non-Finnish European, 0.002%; no homozygotes.

Submissions (2):

Ambry Genetics
Classification: Uncertain significance for Inborn genetic diseases. Last evaluated: 2025-11-06. Review status: criteria provided, single submitter. Criteria: Ambry Variant Classification Scheme 2023. Collection method: clinical testing. Allele origin: germline.

Labcorp Genetics (formerly Invitae), Labcorp
Classification: Uncertain significance. Last evaluated: 2022-05-21. Review status: criteria provided, single submitter. Criteria: Invitae Variant Classification Sherloc (09022015). Collection method: clinical testing. Allele origin: germline.
Comment: This sequence change replaces glycine, which is neutral and non-polar, with valine, which is neutral and non-polar, at codon 122 of the MEOX1 protein (p.Gly122Val). This variant is present in population databases (rs576651683, gnomAD 0.007%). In summary, the available evidence is currently insufficient to determine the role of this variant in disease. Therefore, it has been classified as a Variant of Uncertain Significance. Algorithms developed to predict the effect of missense changes on protein structure and function are either unavailable or do not agree on the potential impact of this missense change (SIFT: "Deleterious"; PolyPhen-2: "Benign"; Align-GVGD: "Class C15"). This variant has not been reported in the literature in individuals affected with MEOX1-related conditions.

NM_004527.4(MEOX1):c.365G>T (p.Gly122Val)

Gene: MEOX1 (mesenchyme homeobox 1; minus strand). Cytogenetic location: 17q21.31.
Variant type: single nucleotide variant.
Coding change: c.365G>T on transcript NM_004527.4 (MANE Select); coding-DNA position 365, G replaced by T.
Protein change: p.Gly122Val; replaces glycine 122 with valine.
Molecular consequence: missense variant.
Genome position (GRCh38, 1-based): chr17:43,661,170, C>A on the plus strand (G>T on the coding strand, the complement: MEOX1 is on the minus strand). VCF-style: chr17-43661170-C-A. GRCh37 (hg19) VCF-style: chr17-41738538-C-A.
Other names: c.20G>T, p.Gly7Val (NM_001040002.2); c.365G>T, p.Gly122Val (NM_013999.4); c.365G>T (NM_004527.3); short protein forms G122V, G7V.
Identifiers: ClinVar variation 1926814 (VCV001926814.6), dbSNP rs576651683, ClinGen allele CA8592644.